The following is an entry in ClinVar:

NM_013254.4(TBK1):c.2167C>G (p.Leu723Val)

Gene: TBK1 (TANK binding kinase 1; plus strand). Cytogenetic location: 12q14.2.
Variant type: single nucleotide variant.
Coding change: c.2167C>G on transcript NM_013254.4 (MANE Select); coding-DNA position 2167, C replaced by G.
Protein change: p.Leu723Val; replaces leucine 723 with valine.
Molecular consequence: missense variant.
Genome position (GRCh38, 1-based): chr12:64,501,358, C>G. VCF-style: chr12-64501358-C-G. GRCh37 (hg19) VCF-style: chr12-64895138-C-G.
Other names: short protein forms L723V.
Identifiers: ClinVar variation 1374403 (VCV001374403.6), dbSNP rs2136092255, ClinGen allele CA385608707.

ClinVar aggregate classification (germline): Uncertain significance (1 of 4 stars; one submission).

Conditions:
Frontotemporal dementia and/or amyotrophic lateral sclerosis 4. Also called: FTDALS4. Identifiers: Orphanet 275872, MedGen C4225325, MONDO:0014641, OMIM 616439.

Submission:

Labcorp Genetics (formerly Invitae), Labcorp
Classification: Uncertain significance for Frontotemporal dementia and/or amyotrophic lateral sclerosis 4. Last evaluated: 2021-10-08. Review status: criteria provided, single submitter. Criteria: Invitae Variant Classification Sherloc (09022015). Collection method: clinical testing. Allele origin: germline.
Comment: In summary, the available evidence is currently insufficient to determine the role of this variant in disease. Therefore, it has been classified as a Variant of Uncertain Significance. Advanced modeling of protein sequence and biophysical properties (such as structural, functional, and spatial information, amino acid conservation, physicochemical variation, residue mobility, and thermodynamic stability) performed at Invitae indicates that this missense variant is not expected to disrupt TBK1 protein function. This variant has not been reported in the literature in individuals affected with TBK1-related conditions. This variant is not present in population databases (ExAC no frequency). This sequence change replaces leucine with valine at codon 723 of the TBK1 protein (p.Leu723Val). The leucine residue is highly conserved and there is a small physicochemical difference between leucine and valine.